The following is an entry in ClinVar:

NM_001365999.1(SZT2):c.3688G>A (p.Ala1230Thr)

Gene: SZT2 (SZT2 subunit of KICSTOR complex; plus strand). Cytogenetic location: 1p34.2.
Variant type: single nucleotide variant.
Coding change: c.3688G>A on transcript NM_001365999.1 (MANE Select); coding-DNA position 3688, G replaced by A.
Protein change: p.Ala1230Thr; replaces alanine 1230 with threonine.
Molecular consequence: missense variant.
Genome position (GRCh38, 1-based): chr1:43,427,619, G>A. VCF-style: chr1-43427619-G-A. GRCh37 (hg19) VCF-style: chr1-43893290-G-A.
Other names: c.3517G>A, p.Ala1173Thr (NM_015284.4); short protein forms A1173T, A1230T.
Identifiers: ClinVar variation 1309555 (VCV001309555.2), dbSNP rs2153933406, ClinGen allele CA340018837.

ClinVar aggregate classification (germline): Uncertain significance (1 of 4 stars; one submission).

Submission:

GeneDx
Classification: Uncertain significance. Last evaluated: 2019-10-22. Review status: criteria provided, single submitter. Criteria: GeneDx Variant Classification Process June 2021. Collection method: clinical testing. Allele origin: germline. Affected: yes.
Comment: Not observed in large population cohorts (Lek et al., 2016); In silico analysis, which includes protein predictors and evolutionary conservation, supports that this variant does not alter protein structure/function; Has not been previously published as pathogenic or benign to our knowledge